The following is an entry in ClinVar:

NM_002519.3(NPAT):c.2801T>C (p.Ile934Thr)

Gene: NPAT (nuclear protein, coactivator of histone transcription; minus strand). Cytogenetic location: 11q22.3.
Variant type: single nucleotide variant.
Coding change: c.2801T>C on transcript NM_002519.3 (MANE Select); coding-DNA position 2801, T replaced by C.
Protein change: p.Ile934Thr; replaces isoleucine 934 with threonine.
Molecular consequence: missense variant.
Genome position (GRCh38, 1-based): chr11:108,170,028, A>G on the plus strand (T>C on the coding strand, the complement: NPAT is on the minus strand). VCF-style: chr11-108170028-A-G. GRCh37 (hg19) VCF-style: chr11-108040755-A-G.
Other names: c.2801T>C, p.Ile934Thr (NM_001321307.1); short protein forms I934T.
Identifiers: ClinVar variation 1796228 (VCV001796228.2), dbSNP rs2496711524, ClinGen allele CA382512199.

ClinVar aggregate classification (germline): Uncertain significance (1 of 4 stars; one submission).

Submission:

Ambry Genetics
Classification: Uncertain significance. Last evaluated: 2022-09-01. Review status: criteria provided, single submitter. Criteria: Ambry Variant Classification Scheme 2023. Collection method: clinical testing. Allele origin: germline.
Comment: The p.I934T variant (also known as c.2801T>C), located in coding exon 14 of the NPAT gene, results from a T to C substitution at nucleotide position 2801. The isoleucine at codon 934 is replaced by threonine, an amino acid with similar properties. This amino acid position is conserved. In addition, the in silico prediction for this alteration is inconclusive. Since supporting evidence is limited at this time, the clinical significance of this alteration remains unclear.